The following is an entry in ClinVar:

NM_000512.5(GALNS):c.707A>C (p.His236Pro)

Gene: GALNS (galactosamine (N-acetyl)-6-sulfatase; minus strand). Cytogenetic location: 16q24.3.
Variant type: single nucleotide variant.
Coding change: c.707A>C on transcript NM_000512.5 (MANE Select); coding-DNA position 707, A replaced by C.
Protein change: p.His236Pro; replaces histidine 236 with proline.
Molecular consequence: missense variant.
Genome position (GRCh38, 1-based): chr16:88,835,776, T>G on the plus strand (A>C on the coding strand, the complement: GALNS is on the minus strand). VCF-style: chr16-88835776-T-G. GRCh37 (hg19) VCF-style: chr16-88902184-T-G.
Other names: c.152A>C, p.His51Pro (NM_001323543.2); c.725A>C, p.His242Pro (NM_001323544.2); short protein forms H236P, H242P, H51P.
Identifiers: ClinVar variation 1048203 (VCV001048203.3), dbSNP rs398123441, ClinGen allele CA397080330.

ClinVar aggregate classification (germline): Likely pathogenic (1 of 4 stars; one submission).

Conditions:
Mucopolysaccharidosis, MPS-IV-A (MPS4A). Also called: Mucopolysaccharidosis type IV A; Mucopolysaccharidosis Type IVA; Morquio syndrome A, mild; MORQUIO SYNDROME A; MPS IVA; mucopolysaccharidosis type 4A. Identifiers: Orphanet 309297, Orphanet 582, MedGen C0086651, MONDO:0009659, OMIM 253000.

gnomAD v4.1: 1 of 1,614,108 alleles (0.000062%); highest among the groups gnomAD compares: Non-Finnish European, 0.000085%; no homozygotes.

Submission:

Laboratory of Diagnosis and Therapy of Lysosomal Disorders, University of Padova
Classification: Likely pathogenic for Mucopolysaccharidosis, MPS-IV-A. Last evaluated: 2021-02-01. Review status: criteria provided, single submitter. Criteria: ACMG Guidelines, 2015. Collection method: research. Allele origin: germline. Affected: yes.
Comment: In vivo functional studies supportive of a damaging effect on the gene product (low to null enzymatic activity in homozygotes; PS3_supporting); located in a mutational hot spot and/or critical and well-established functional domain without benign variation (PM1_moderate); absent from gnomAD v2.1.1 (PM2_moderate); multiple lines of computational evidence support a deleterious effect on the gene (PP3_supporting)

Literature cited by the submitters: PubMed 34387910.